The following is an entry in ClinVar:

ClinVar aggregate classification (germline): Conflicting classifications of pathogenicity. Review status: criteria provided, conflicting classifications (1 of 4 stars). 2 submissions from 2 submitters: Likely pathogenic (1); Uncertain significance (1). Last evaluated 2022-07-23.

Conditions:
Deficiency of aromatic-L-amino-acid decarboxylase. Also called: Aromatic L-Amino Acid Decarboxylase Deficiency; Aromatic amino acid decarboxylase deficiency; AADC DEFICIENCY; DDC DEFICIENCY; DOPA DECARBOXYLASE DEFICIENCY. Identifiers: Orphanet 35708, MedGen C1291564, MONDO:0012084, OMIM 608643.

Allele frequency attached by ClinVar (database versions not stated): gnomAD exomes below 0.00001; ExAC 0.00001; gnomAD 0.00001; TOPMed 0.00002; ESP Exome Variant Server 0.00008.
gnomAD v4.1: 3 of 1,614,030 alleles (0.00019%); highest among the groups gnomAD compares: Admixed American, 0.0033%; no homozygotes.

Submissions (2):

Labcorp Genetics (formerly Invitae), Labcorp
Classification: Uncertain significance for Deficiency of aromatic-L-amino-acid decarboxylase. Last evaluated: 2022-07-23. Review status: criteria provided, single submitter. Criteria: Invitae Variant Classification Sherloc (09022015). Collection method: clinical testing. Allele origin: germline.
Comment: This sequence change replaces tryptophan, which is neutral and slightly polar, with arginine, which is basic and polar, at codon 121 of the DDC protein (p.Trp121Arg). This variant is present in population databases (rs371117662, gnomAD 0.0009%). This variant has not been reported in the literature in individuals affected with DDC-related conditions. ClinVar contains an entry for this variant (Variation ID: 1498769). Algorithms developed to predict the effect of missense changes on protein structure and function (SIFT, PolyPhen-2, Align-GVGD) all suggest that this variant is likely to be disruptive. In summary, the available evidence is currently insufficient to determine the role of this variant in disease. Therefore, it has been classified as a Variant of Uncertain Significance.

Mendelics
Classification: Likely pathogenic for Deficiency of aromatic-L-amino-acid decarboxylase. Last evaluated: 2022-05-04. Review status: criteria provided, single submitter. Criteria: Mendelics Assertion Criteria 2019. Collection method: clinical testing. Allele origin: germline.

NM_001082971.2(DDC):c.361T>C (p.Trp121Arg)

Genes: DDC (dopa decarboxylase; minus strand), DDC-AS1 (DDC antisense RNA 1; plus strand). Cytogenetic location: 7p12.1.
Variant type: single nucleotide variant.
Coding change: c.361T>C on transcript NM_001082971.2 (MANE Select); coding-DNA position 361, T replaced by C.
Protein change: p.Trp121Arg; replaces tryptophan 121 with arginine.
Molecular consequence: missense variant. On other transcripts: intron variant (1).
Genome position (GRCh38, 1-based): chr7:50,537,934, A>G on the plus strand (T>C on the coding strand, the complement: DDC is on the minus strand). VCF-style: chr7-50537934-A-G. GRCh37 (hg19) VCF-style: chr7-50605632-A-G.
Other names: c.361T>C, p.Trp121Arg (NM_000790.4, NM_001242887.2, NM_001242889.2 and 1 more transcripts); c.247T>C, p.Trp83Arg (NM_001242886.2); c.201+5951T>C (NM_001242888.2); short protein forms W83R, W121R.
Identifiers: ClinVar variation 1498769 (VCV001498769.4), dbSNP rs371117662, ClinGen allele CA4262393.